The following is an entry in ClinVar:

ClinVar aggregate classification (germline): Uncertain significance. Review status: criteria provided, single submitter (1 of 4 stars). 2 submissions from 2 submitters: Uncertain significance (1). 1 of the submissions does not count toward it. Last evaluated 2022-09-21.

Conditions:
AGBL1-related disorder. Also called: AGBL1-related condition.
Fuchs' endothelial dystrophy. Also called: Fuchs endothelial corneal dystrophy. Identifiers: Orphanet 98974, MedGen C0016781, MONDO:0005321.

Allele frequency attached by ClinVar (database versions not stated): gnomAD exomes 0.00012; gnomAD 0.00025; TOPMed 0.00033; ExAC 0.00061; 1000 Genomes Project 0.00080; 1000 Genomes Project 30x 0.00094.
gnomAD v4.1: 232 of 1,613,546 alleles (0.014%); highest among the groups gnomAD compares: East Asian, 0.45%; 2 homozygotes.

Submissions (2):

Department of Pathology and Laboratory Medicine, Sinai Health System
Classification: Uncertain significance for Fuchs' endothelial dystrophy. Last evaluated: 2022-09-21. Review status: criteria provided, single submitter. Criteria: ACMG Guidelines, 2015. Collection method: research. Allele origin: germline.

PreventionGenetics, part of Exact Sciences
Classification: Benign for AGBL1-related condition. Last evaluated: 2020-03-09. Review status: no assertion criteria provided. Collection method: clinical testing. Allele origin: germline. Not counted in ClinVar's aggregate classification.
Comment: This variant is classified as benign based on ACMG/AMP sequence variant interpretation guidelines (Richards et al. 2015 PMID: 25741868, with internal and published modifications).

NM_001386094.1(AGBL1):c.968A>G (p.Glu323Gly)

Gene: AGBL1 (AGBL carboxypeptidase 1; plus strand). Cytogenetic location: 15q25.3.
Variant type: single nucleotide variant.
Coding change: c.968A>G on transcript NM_001386094.1 (MANE Select); coding-DNA position 968, A replaced by G.
Protein change: p.Glu323Gly; replaces glutamic acid 323 with glycine.
Molecular consequence: missense variant.
Genome position (GRCh38, 1-based): chr15:86,258,030, A>G. VCF-style: chr15-86258030-A-G. GRCh37 (hg19) VCF-style: chr15-86801261-A-G.
Other names: c.968A>G, p.Glu323Gly (NM_152336.4); short protein forms E323G.
Identifiers: ClinVar variation 3057355 (VCV003057355.3), dbSNP rs192090714, ClinGen allele CA7715582.
Genomic context (GRCh38, chr15:86,258,030, plus strand): 5'-TTGAAGATGATGGCGATGATGAAGTGGACAAAGACTCTGATACTGAAGATGGGAAAGTGG[A>G]AGTAGGTACACCAGCCCATGCTTCTAATGATGTCCATAGTCACATCATGCACAGAAAAAT-3'
Protein context (NP_001373023.1, residues 313-333): KDSDTEDGKV[Glu323Gly]DDDLETDVNK